The following is an entry in ClinVar:

ClinVar aggregate classification (germline): Uncertain significance. Review status: criteria provided, multiple submitters, no conflicts (2 of 4 stars). 3 submissions from 3 submitters: Uncertain significance (2). 1 of the submissions does not count toward it. Last evaluated 2026-01-05.

Conditions:
Hereditary cancer-predisposing syndrome. Also called: Neoplastic Syndromes, Hereditary; Tumor predisposition; Hereditary Cancer Syndrome; Hereditary neoplastic syndrome. Identifiers: Orphanet 140162, MedGen C0027672, MeSH D009386, MONDO:0015356.
Bloom syndrome (BLM). Also called: Bloom-Torre-Machacek syndrome. Identifiers: Orphanet 125, MedGen C0005859, MONDO:0008876, OMIM 210900.

Allele frequency attached by ClinVar (database versions not stated): gnomAD exomes below 0.00001 and 0.00001; gnomAD 0.00001; TOPMed 0.00001.
gnomAD v4.1: 14 of 1,614,016 alleles (0.00087%); highest among the groups gnomAD compares: Admixed American, 0.0033%; no homozygotes.

Submissions (3):

Labcorp Genetics (formerly Invitae), Labcorp
Classification: Uncertain significance for Bloom syndrome. Last evaluated: 2026-01-05. Review status: criteria provided, single submitter. Criteria: Invitae Variant Classification Sherloc (09022015). Collection method: clinical testing. Allele origin: germline.
Comment: This sequence change replaces isoleucine, which is neutral and non-polar, with threonine, which is neutral and polar, at codon 1150 of the BLM protein (p.Ile1150Thr). This variant is present in population databases (no rsID available, gnomAD 0.003%). This variant has not been reported in the literature in individuals affected with BLM-related conditions. ClinVar contains an entry for this variant (Variation ID: 485335). Invitae Evidence Modeling of protein sequence and biophysical properties (such as structural, functional, and spatial information, amino acid conservation, physicochemical variation, residue mobility, and thermodynamic stability) indicates that this missense variant is not expected to disrupt BLM protein function with a negative predictive value of 80%. In summary, the available evidence is currently insufficient to determine the role of this variant in disease. Therefore, it has been classified as a Variant of Uncertain Significance.

Ambry Genetics
Classification: Uncertain significance for Hereditary cancer-predisposing syndrome. Last evaluated: 2023-01-08. Review status: criteria provided, single submitter. Criteria: Ambry Variant Classification Scheme 2023. Collection method: clinical testing. Allele origin: germline.
Comment: The p.I1150T variant (also known as c.3449T>C), located in coding exon 17 of the BLM gene, results from a T to C substitution at nucleotide position 3449. The isoleucine at codon 1150 is replaced by threonine, an amino acid with similar properties. This amino acid position is not well conserved in available vertebrate species. In addition, this alteration is predicted to be tolerated by in silico analysis. Since supporting evidence is limited at this time, the clinical significance of this alteration remains unclear.

Natera, Inc.
Classification: Uncertain significance for Bloom syndrome. Last evaluated: 2018-07-04. Review status: no assertion criteria provided. Collection method: clinical testing. Allele origin: germline. Not counted in ClinVar's aggregate classification.

NM_000057.4(BLM):c.3449T>C (p.Ile1150Thr)

Gene: BLM (BLM RecQ like helicase; plus strand). Cytogenetic location: 15q26.1.
Variant type: single nucleotide variant.
Coding change: c.3449T>C on transcript NM_000057.4 (MANE Select); coding-DNA position 3449, T replaced by C.
Protein change: p.Ile1150Thr; replaces isoleucine 1150 with threonine.
Molecular consequence: missense variant. On other transcripts: intron variant (1).
Genome position (GRCh38, 1-based): chr15:90,803,611, T>C. VCF-style: chr15-90803611-T-C. GRCh37 (hg19) VCF-style: chr15-91346841-T-C.
Other names: c.3449T>C (LRG_20t1); c.3449T>C, p.Ile1150Thr (NM_001287246.2); c.2324T>C, p.Ile775Thr (NM_001287248.2); c.3358+5274T>C (NM_001287247.2); short protein forms I1150T, I775T.
Identifiers: ClinVar variation 485335 (VCV000485335.18), dbSNP rs1378138456, ClinGen allele CA393847619.
Genomic context (GRCh38, chr15:90,803,611, plus strand): 5'-TATTTGGAAAAGGATCTGCTTATTCACGACACAATGCCGAAAGACTTTTTAAAAAGCTGA[T>C]ACTTGACAAGATTTTGGATGAAGACTTATATATCAATGCCAATGACCAGGCGATCGCTTA-3'
Protein context (NP_000048.1, residues 1140-1160): HNAERLFKKL[Ile1150Thr]LDKILDEDLY